The following is an entry in ClinVar:

NM_001261826.3(AP3D1):c.2788-7G>A

Gene: AP3D1 (adaptor related protein complex 3 subunit delta 1; minus strand). Cytogenetic location: 19p13.3.
Variant type: single nucleotide variant.
Coding change: c.2788-7G>A on transcript NM_001261826.3 (MANE Select); 7 bases into the intron before coding-DNA position 2788, G replaced by A.
Molecular consequence: intron variant.
Genome position (GRCh38, 1-based): chr19:2,111,835, C>T on the plus strand (G>A on the coding strand, the complement: AP3D1 is on the minus strand). VCF-style: chr19-2111835-C-T. GRCh37 (hg19) VCF-style: chr19-2111834-C-T.
Other names: c.2602-7G>A (NM_003938.8); c.2752-7G>A (NM_001374799.1); c.2788-7G>A (NM_001261826.1).
Identifiers: ClinVar variation 2868863 (VCV002868863.5), dbSNP rs1046406337, ClinGen allele CA304151107.

ClinVar aggregate classification (germline): Likely benign. Review status: criteria provided, single submitter (1 of 4 stars). 2 submissions from 2 submitters: Likely benign (1). 1 of the submissions does not count toward it. Last evaluated 2023-10-05.

Conditions:
AP3D1-related disorder. Also called: AP3D1-related condition.

Allele frequency attached by ClinVar (database versions not stated): gnomAD exomes below 0.00001; gnomAD 0.00001; TOPMed 0.00001.
gnomAD v4.1: 7 of 1,613,460 alleles (0.00043%); highest among the groups gnomAD compares: Non-Finnish European, 0.00059%; no homozygotes.

Submissions (2):

Labcorp Genetics (formerly Invitae), Labcorp
Classification: Likely benign. Last evaluated: 2023-10-05. Review status: criteria provided, single submitter. Criteria: Invitae Variant Classification Sherloc (09022015). Collection method: clinical testing. Allele origin: germline.

PreventionGenetics, part of Exact Sciences
Classification: Likely benign for AP3D1-related condition. Last evaluated: 2019-04-25. Review status: no assertion criteria provided. Collection method: clinical testing. Allele origin: germline. Not counted in ClinVar's aggregate classification.
Comment: This variant is classified as likely benign based on ACMG/AMP sequence variant interpretation guidelines (Richards et al. 2015 PMID: 25741868, with internal and published modifications).